The following is an entry in ClinVar:

ClinVar aggregate classification (germline): Uncertain significance (1 of 4 stars; one submission).

Allele frequency attached by ClinVar (database versions not stated): gnomAD exomes below 0.00001.
gnomAD v4.1: 2 of 1,613,848 alleles (0.00012%); highest among the groups gnomAD compares: Middle Eastern, 0.017%; no homozygotes.

Submission:

CeGaT Center for Human Genetics Tuebingen
Classification: Uncertain significance. Last evaluated: 2023-08-01. Review status: criteria provided, single submitter. Criteria: CeGaT Center For Human Genetics Tuebingen Variant Classification Criteria Version 2. Collection method: clinical testing. Allele origin: germline. Affected: yes. Observed: 1 variant allele.
Comment: COL12A1: PM2

NM_004370.6(COL12A1):c.3829C>G (p.Leu1277Val)

Gene: COL12A1 (collagen type XII alpha 1 chain; minus strand). Cytogenetic location: 6q13.
Variant type: single nucleotide variant.
Coding change: c.3829C>G on transcript NM_004370.6 (MANE Select); coding-DNA position 3829, C replaced by G.
Protein change: p.Leu1277Val; replaces leucine 1277 with valine.
Molecular consequence: missense variant.
Genome position (GRCh38, 1-based): chr6:75,152,137, G>C on the plus strand (C>G on the coding strand, the complement: COL12A1 is on the minus strand). VCF-style: chr6-75152137-G-C. GRCh37 (hg19) VCF-style: chr6-75861853-G-C.
Other names: c.3829C>G, p.Leu1277Val (NM_001424113.1, NM_001424114.1); c.3556C>G, p.Leu1186Val (NM_001424115.1); c.337C>G, p.Leu113Val (NM_001424116.1, NM_080645.3); short protein forms L113V, L1186V, L1277V.
Identifiers: ClinVar variation 2656706 (VCV002656706.24), dbSNP rs2533400289, ClinGen allele CA364748940.